The following is an entry in ClinVar:

ClinVar aggregate classification (germline): Uncertain significance (1 of 4 stars; one submission).

Conditions:
Inborn genetic diseases. Identifiers: MedGen C0950123, MeSH D030342.

Submission:

Ambry Genetics
Classification: Uncertain significance for Inborn genetic diseases. Last evaluated: 2023-02-28. Review status: criteria provided, single submitter. Criteria: Ambry Variant Classification Scheme 2023. Collection method: clinical testing. Allele origin: germline.
Comment: The p.I205V variant (also known as c.613A>G), located in coding exon 6 of the MDH2 gene, results from an A to G substitution at nucleotide position 613. The isoleucine at codon 205 is replaced by valine, an amino acid with highly similar properties. This amino acid position is conserved. In addition, the in silico prediction for this alteration is inconclusive. Since supporting evidence is limited at this time, the clinical significance of this alteration remains unclear.

NM_005918.4(MDH2):c.613A>G (p.Ile205Val)

Gene: MDH2 (malate dehydrogenase 2; plus strand). Cytogenetic location: 7q11.23.
Variant type: single nucleotide variant.
Coding change: c.613A>G on transcript NM_005918.4 (MANE Select); coding-DNA position 613, A replaced by G.
Protein change: p.Ile205Val; replaces isoleucine 205 with valine.
Molecular consequence: missense variant.
Genome position (GRCh38, 1-based): chr7:76,063,572, A>G. VCF-style: chr7-76063572-A-G. GRCh37 (hg19) VCF-style: chr7-75692890-A-G.
Other names: c.487A>G, p.Ile163Val (NM_001282403.2); c.292A>G, p.Ile98Val (NM_001282404.2); short protein forms I163V, I205V, I98V.
Identifiers: ClinVar variation 2447846 (VCV002447846.2), dbSNP rs1585412126, ClinGen allele CA367766849.